The following is an entry in ClinVar:

ClinVar aggregate classification (germline): Uncertain significance. Review status: criteria provided, multiple submitters, no conflicts (2 of 4 stars). 2 submissions from 2 submitters: Uncertain significance (2). Last evaluated 2025-06-02.

Conditions:
Developmental and epileptic encephalopathy, 1 (DEE1). Also called: OHTAHARA SYNDROME, X-LINKED; Epileptic encephalopathy, early infantile, 1; INFANTILE SPASM SYNDROME, X-LINKED 1; X-linked infantile spasms; West's syndrome; Tonic spasms with clustering, arrest of psychomotor development and hypsarrhythmia on EEG. Identifiers: MedGen C3463992, MONDO:0010632, OMIM 308350. Disease mechanism: loss of function.
Autosomal recessive spinocerebellar ataxia 12. Also called: SPINOCEREBELLAR ATAXIA WITH MENTAL RETARDATION AND EPILEPSY. Identifiers: Orphanet 284282, MedGen C3280452, MONDO:0013687, OMIM 614322.

gnomAD v4.1: 3 of 1,614,208 alleles (0.00019%); highest among the groups gnomAD compares: African/African-American, 0.0013%; no homozygotes.

Submissions (2):

Labcorp Genetics (formerly Invitae), Labcorp
Classification: Uncertain significance for Developmental and epileptic encephalopathy, 1; Autosomal recessive spinocerebellar ataxia 12. Last evaluated: 2025-06-02. Review status: criteria provided, single submitter. Criteria: Invitae Variant Classification Sherloc (09022015). Collection method: clinical testing. Allele origin: germline.
Comment: This sequence change replaces proline with arginine at codon 323 of the WWOX protein (p.Pro323Arg). The proline residue is highly conserved and there is a moderate physicochemical difference between proline and arginine. This variant is not present in population databases (gnomAD no frequency). This variant has not been reported in the literature in individuals affected with WWOX-related conditions. ClinVar contains an entry for this variant (Variation ID: 586945). Invitae Evidence Modeling of protein sequence and biophysical properties (such as structural, functional, and spatial information, amino acid conservation, physicochemical variation, residue mobility, and thermodynamic stability) indicates that this missense variant is expected to disrupt WWOX protein function with a positive predictive value of 80%. In summary, the available evidence is currently insufficient to determine the role of this variant in disease. Therefore, it has been classified as a Variant of Uncertain Significance.

Athena Diagnostics
Classification: Uncertain significance. Last evaluated: 2017-11-22. Review status: criteria provided, single submitter. Criteria: Athena Diagnostics Criteria. Collection method: clinical testing. Allele origin: germline.

NM_016373.4(WWOX):c.968C>G (p.Pro323Arg)

Gene: WWOX (WW domain containing oxidoreductase; plus strand). Cytogenetic location: 16q23.1.
Variant type: single nucleotide variant.
Coding change: c.968C>G on transcript NM_016373.4 (MANE Select); coding-DNA position 968, C replaced by G.
Protein change: p.Pro323Arg; replaces proline 323 with arginine.
Molecular consequence: missense variant.
Genome position (GRCh38, 1-based): chr16:78,432,664, C>G. VCF-style: chr16-78432664-C-G. GRCh37 (hg19) VCF-style: chr16-78466561-C-G.
Other names: c.629C>G, p.Pro210Arg (NM_001291997.2); short protein forms P323R, P210R.
Identifiers: ClinVar variation 586945 (VCV000586945.9), dbSNP rs1567570468, ClinGen allele CA396843362.